The following is an entry in ClinVar:

ClinVar aggregate classification (germline): Conflicting classifications of pathogenicity. Review status: criteria provided, conflicting classifications (1 of 4 stars). 7 submissions from 7 submitters: Uncertain significance (5); Likely benign (2). Last evaluated 2025-08-02.

Conditions:
Early-onset myopathy with fatal cardiomyopathy (CMYO5). Also called: Salih Myopathy; CONGENITAL MYOPATHY 5 WITH CARDIOMYOPATHY. Identifiers: Orphanet 289377, MedGen C2673677, MONDO:0012714, OMIM 611705. Disease mechanism: loss of function.
Dilated cardiomyopathy 1G (CMD1G). Identifiers: Orphanet 154, MedGen C1858763, MONDO:0011400, OMIM 604145.
Tibial muscular dystrophy (TMD). Also called: UDD MYOPATHY; Tibial muscular dystrophy, tardive; Udd Distal Myopathy – Tibial Muscular Dystrophy. Identifiers: Orphanet 609, MedGen C1838244, MONDO:0010870, OMIM 600334.
Autosomal recessive limb-girdle muscular dystrophy type 2J (LGMDR10). Also called: Limb-girdle muscular dystrophy, type 2J; MUSCULAR DYSTROPHY, LIMB-GIRDLE, AUTOSOMAL RECESSIVE 10. Identifiers: Orphanet 140922, MedGen C1837342, MONDO:0012127, OMIM 608807.
Hypertrophic cardiomyopathy 9. Also called: Familial hypertrophic cardiomyopathy 9. Identifiers: MedGen C1861065, MONDO:0013412, OMIM 613765.
Myopathy, myofibrillar, 9, with early respiratory failure (MFM9). Also called: Hereditary myopathy with early respiratory failure; MYOPATHY, PROXIMAL, WITH EARLY RESPIRATORY MUSCLE INVOLVEMENT; EDSTROM MYOPATHY; Myopathy, distal, with early respiratory failure, autosomal dominant. Identifiers: Orphanet 178464, Orphanet 34521, MedGen C1863599, MONDO:0011362, OMIM 603689.
Cardiomyopathy (CMYO). Also called: Cardiomyopathies. Identifiers: Orphanet 167848, MedGen C0878544, MONDO:0004994, HP:0001638. Inheritance: Various modes of inheritance.
TTN-related disorder. Also called: TTN-related condition; TTN-related disease; TTN-related disorders.
Cardiovascular phenotype. Identifiers: MedGen CN230736.

Allele frequency attached by ClinVar (database versions not stated): gnomAD exomes 0.00004; TOPMed 0.00004; gnomAD 0.00005 and 0.00006; ExAC 0.00001.
gnomAD v4.1: 63 of 1,613,566 alleles (0.0039%); highest among the groups gnomAD compares: African/African-American, 0.0067%; no homozygotes.

Submissions (7):

PreventionGenetics, part of Exact Sciences
Classification: Uncertain significance for TTN-related condition. Last evaluated: 2025-08-02. Review status: criteria provided, single submitter. Criteria: ACMG Guidelines, 2015. Collection method: clinical testing. Allele origin: germline.
Comment: The TTN c.97156G>A variant is predicted to result in the amino acid substitution p.Gly32386Arg. This variant has been reported as uncertain in three individuals who underwent genome analysis as part of a large Arabic population (Supplementary Table 1, Elfatih. 2024. PubMed ID: 39020067). This variant is reported in 0.0071% of alleles in individuals of European (Non-Finnish) descent in gnomAD. At this time, the clinical significance of this variant is uncertain due to the absence of conclusive functional and genetic evidence.

Women's Health and Genetics/Laboratory Corporation of America, LabCorp
Classification: Uncertain significance. Last evaluated: 2025-05-16. Review status: criteria provided, single submitter. Criteria: LabCorp Variant Classification Summary - May 2015. Collection method: clinical testing. Allele origin: germline.
Comment: Variant summary: TTN c.89452G>A (p.Gly29818Arg) results in a non-conservative amino acid change in the encoded protein sequence. Algorithms developed to predict the effect of missense changes on protein structure and function all suggest that this variant is likely to be disruptive. The variant allele was found at a frequency of 4.4e-05 in 248600 control chromosomes. This frequency is not significantly higher than estimated for a pathogenic variant in TTN causing Dilated Cardiomyopathy (4.4e-05 vs 0.00039), allowing no conclusion about variant significance. To our knowledge, no occurrence of c.89452G>A in individuals affected with TTN-related conditions and no experimental evidence demonstrating its impact on protein function have been reported. ClinVar contains an entry for this variant (Variation ID: 283964). Based on the evidence outlined above, the variant was classified as uncertain significance.

CHEO Genetics Diagnostic Laboratory, Children's Hospital of Eastern Ontario
Classification: Likely benign for Cardiomyopathy. Last evaluated: 2023-06-07. Review status: criteria provided, single submitter. Criteria: ACMG Guidelines, 2015. Collection method: clinical testing. Allele origin: germline.

Fulgent Genetics
Classification: Uncertain significance for Tibial muscular dystrophy; Myopathy, myofibrillar, 9, with early respiratory failure; Dilated cardiomyopathy 1G; Autosomal recessive limb-girdle muscular dystrophy type 2J; Early-onset myopathy with fatal cardiomyopathy; Hypertrophic cardiomyopathy 9. Last evaluated: 2021-09-01. Review status: criteria provided, single submitter. Criteria: ACMG Guidelines, 2015. Collection method: clinical testing. Allele origin: unknown.

Ambry Genetics
Classification: Likely benign for Cardiovascular phenotype. Last evaluated: 2020-08-31. Review status: criteria provided, single submitter. Criteria: Ambry Variant Classification Scheme 2023. Collection method: clinical testing. Allele origin: germline.

ARUP Laboratories, Molecular Genetics and Genomics, ARUP Laboratories
Classification: Uncertain significance. Last evaluated: 2020-03-20. Review status: criteria provided, single submitter. Criteria: ARUP Molecular Germline Variant Investigation Process. Collection method: clinical testing. Allele origin: germline.
Comment: The TTN c.97156G>A; p.Gly32386Arg variant (rs758534800; ClinVar Variation ID: 283964) is rare in the general population (<1% allele frequency in the Genome Aggregation Database) and has not been reported in the medical literature in association with dilated cardiomyopathy (DCM) or other TTN-related disease. The clinical relevance of rare missense variants in this gene, which are identified on average once per individual sequenced in affected populations (Herman 2012), is not well understood. Yet, evidence suggests that the vast majority of such missense variants do not contribute to the clinical outcome of DCM (Begay 2015). Thus, the clinical significance of the p.Gly32386Arg variant cannot be determined with certainty. References: Begay RL et al. Role of Titin Missense Variants in Dilated Cardiomyopathy. J Am Heart Assoc. 2015 Nov 13;4(11). Herman DS et al. Truncations of titin causing dilated cardiomyopathy. N Engl J Med. 2012 Feb 16;366(7):619-28.

Eurofins Ntd Llc (ga)
Classification: Uncertain significance. Last evaluated: 2015-10-06. Review status: criteria provided, single submitter. Criteria: EGL Classification Definitions 2015. Collection method: clinical testing. Allele origin: germline. Observed: 1 variant allele, 1 heterozygote.

Literature cited by the submitters: PubMed 30564623 (cited by Women's Health and Genetics/Laboratory Corporation of America, LabCorp); PubMed 30021846 (cited by Women's Health and Genetics/Laboratory Corporation of America, LabCorp); PubMed 39020067 (cited by Women's Health and Genetics/Laboratory Corporation of America, LabCorp).

NM_001267550.2(TTN):c.97156G>A (p.Gly32386Arg)

Genes: TTN-AS1 (TTN antisense RNA 1; plus strand), TTN (titin; minus strand). Cytogenetic location: 2q31.2.
Variant type: single nucleotide variant.
Coding change: c.97156G>A on transcript NM_001267550.2 (MANE Select); coding-DNA position 97156, G replaced by A.
Protein change: p.Gly32386Arg; replaces glycine 32386 with arginine.
Molecular consequence: missense variant.
Genome position (GRCh38, 1-based): chr2:178,542,698, C>T on the plus strand (G>A on the coding strand, the complement: TTN is on the minus strand). VCF-style: chr2-178542698-C-T. GRCh37 (hg19) VCF-style: chr2-179407425-C-T.
Other names: c.92233G>A, p.Gly30745Arg (NM_001256850.1); c.69961G>A, p.Gly23321Arg (NM_003319.4); c.89452G>A, p.Gly29818Arg (NM_133378.4); c.70336G>A, p.Gly23446Arg (NM_133432.3); c.70537G>A, p.Gly23513Arg (NM_133437.4); short protein forms G29818R, G32386R, G30745R, G23321R, G23446R, G23513R.
Identifiers: ClinVar variation 283964 (VCV000283964.18), dbSNP rs758534800, ClinGen allele CA1986618.